The following is an entry in ClinVar:

ClinVar aggregate classification (germline): Pathogenic. Review status: criteria provided, multiple submitters, no conflicts (2 of 4 stars). 2 submissions from 2 submitters: Pathogenic (2). Last evaluated 2023-12-06.

Conditions:
L1 syndrome. Identifiers: Orphanet 275543, MedGen C5779710, MONDO:0017140.

Submissions (3):

GeneDx
Classification: Pathogenic. Last evaluated: 2023-12-06. Review status: criteria provided, single submitter. Criteria: GeneDx Variant Classification Process June 2021. Collection method: clinical testing. Allele origin: germline. Affected: yes.
Comment: Canonical splice site variant predicted to result in an in-frame loss of the adjacent exon in a gene for which loss of function is a known mechanism of disease; Not observed at significant frequency in large population cohorts (gnomAD); This variant is associated with the following publications: (PMID: 29960101, 25641508, 31319225, 36307859)

Ege University Pediatric Genetics, Ege University
Classification: Pathogenic for L1 syndrome. Last evaluated: 2019-05-15. Review status: criteria provided, single submitter. Criteria: ACMG Guidelines, 2015. Collection method: clinical testing. Allele origin: germline. Affected: yes.

Dr. Peter K. Rogan Lab, Western University
No classification provided (evidence only). Condition: Ovarian serous cystadenocarcinoma. Review status: no classification provided. Collection method: in vitro. Allele origin: not applicable. Functional consequence: retained intron. Not counted in ClinVar's aggregate classification.

Literature cited by the submitters: PubMed 31319225 (cited by Ege University Pediatric Genetics, Ege University).

NM_001278116.2(L1CAM):c.3166+1G>A

Gene: L1CAM (L1 cell adhesion molecule; minus strand). Cytogenetic location: Xq28.
Variant type: single nucleotide variant.
Coding change: c.3166+1G>A on transcript NM_001278116.2 (MANE Select); the canonical splice donor site of the intron after coding-DNA position 3166, G replaced by A.
Molecular consequence: splice donor variant.
Genome position (GRCh38, 1-based): chrX:153,864,584, C>T on the plus strand (G>A on the coding strand, the complement: L1CAM is on the minus strand). VCF-style: chrX-153864584-C-T. GRCh37 (hg19) VCF-style: chrX-153130039-C-T.
Other names: NC_000023.10:g.153130039C>T; c.3151+1G>A (NM_001143963.2); c.3166+1G>A (NM_024003.3, NM_000425.5).
Identifiers: ClinVar variation 635331 (VCV000635331.3), dbSNP rs1603273984, ClinGen allele CA415111505.